The following is an entry in ClinVar:

ClinVar aggregate classification (germline): Uncertain significance (1 of 4 stars; one submission).

Conditions:
Generalized epilepsy with febrile seizures plus, type 7 (GEFSP7). Also called: GEFS+, TYPE 7. Identifiers: Orphanet 36387, MedGen C2751778, MONDO:0013470, OMIM 613863.
Neuropathy, hereditary sensory and autonomic, type 2A (HSAN2A). Also called: WNK1-Related HSAN2 (HSAN2A); HSAN IIA; MORVAN DISEASE; NEUROPATHY, CONGENITAL SENSORY; NEUROPATHY, HEREDITARY SENSORY RADICULAR, AUTOSOMAL RECESSIVE; NEUROPATHY, HEREDITARY SENSORY, TYPE IIA. Identifiers: Orphanet 970, MedGen C2752089, MONDO:0024309, OMIM 201300.

Allele frequency attached by ClinVar (database versions not stated): gnomAD exomes below 0.00001 and 0.00001; gnomAD 0.00001; TOPMed 0.00001.
gnomAD v4.1: 3 of 1,593,494 alleles (0.00019%); highest among the groups gnomAD compares: East Asian, 0.0045%; no homozygotes.

Submission:

Labcorp Genetics (formerly Invitae), Labcorp
Classification: Uncertain significance for Neuropathy, hereditary sensory and autonomic, type 2A; Generalized epilepsy with febrile seizures plus, type 7. Last evaluated: 2023-07-07. Review status: criteria provided, single submitter. Criteria: Invitae Variant Classification Sherloc (09022015). Collection method: clinical testing. Allele origin: germline.
Comment: In summary, the available evidence is currently insufficient to determine the role of this variant in disease. Therefore, it has been classified as a Variant of Uncertain Significance. Advanced modeling of protein sequence and biophysical properties (such as structural, functional, and spatial information, amino acid conservation, physicochemical variation, residue mobility, and thermodynamic stability) performed at Invitae indicates that this missense variant is not expected to disrupt SCN9A protein function. This sequence change replaces tryptophan, which is neutral and slightly polar, with cysteine, which is neutral and slightly polar, at codon 1182 of the SCN9A protein (p.Trp1182Cys). The frequency data for this variant in the population databases is considered unreliable, as metrics indicate poor data quality at this position in the gnomAD database. This variant has not been reported in the literature in individuals affected with SCN9A-related conditions. ClinVar contains an entry for this variant (Variation ID: 963747).

NM_001365536.1(SCN9A):c.3579G>T (p.Trp1193Cys)

Genes: SCN9A (sodium voltage-gated channel alpha subunit 9; minus strand), SCN1A-AS1 (SCN1A and SCN9A antisense RNA 1; plus strand). Cytogenetic location: 2q24.3.
Variant type: single nucleotide variant.
Coding change: c.3579G>T on transcript NM_001365536.1 (MANE Select); coding-DNA position 3579, G replaced by T.
Protein change: p.Trp1193Cys; replaces tryptophan 1193 with cysteine.
Molecular consequence: missense variant.
Genome position (GRCh38, 1-based): chr2:166,242,550, C>A on the plus strand (G>T on the coding strand, the complement: SCN9A is on the minus strand). VCF-style: chr2-166242550-C-A. GRCh37 (hg19) VCF-style: chr2-167099060-C-A.
Other names: c.3546G>T, p.Trp1182Cys (NM_002977.4); short protein forms W1182C, W1193C.
Identifiers: ClinVar variation 963747 (VCV000963747.10), dbSNP rs1433542348, ClinGen allele CA349070201.